The following is an entry in ClinVar:

ClinVar aggregate classification (germline): Likely pathogenic. Review status: criteria provided, single submitter (1 of 4 stars). 2 submissions from 2 submitters: Likely pathogenic (1). 1 of the submissions does not count toward it. Last evaluated 2025-11-03.

Conditions:
Fanconi anemia (FA). Also called: Fanconi's anemia. Identifiers: Orphanet 84, MedGen C0015625, MeSH D005199, MONDO:0019391.

Allele frequency attached by ClinVar (database versions not stated): gnomAD exomes below 0.00001; ExAC 0.00001.

Submissions (2):

Labcorp Genetics (formerly Invitae), Labcorp
Classification: Likely pathogenic for Fanconi anemia. Last evaluated: 2025-11-03. Review status: criteria provided, single submitter. Criteria: Invitae Variant Classification Sherloc (09022015). Collection method: clinical testing. Allele origin: germline.
Comment: This sequence change falls in intron 9 of the FANCG gene. It does not directly change the encoded amino acid sequence of the FANCG protein. RNA analysis indicates that this variant induces altered splicing and may result in an absent or altered protein product. This variant is present in population databases (rs778328620, gnomAD 0.0009%). This variant has been observed in individuals with Fanconi anemia (PMID: 28024295, 36894310). ClinVar contains an entry for this variant (Variation ID: 929691). Variants that disrupt the consensus splice site are a relatively common cause of aberrant splicing (PMID: 17576681, 9536098). Studies have shown that this variant results in skipping of exon 9, and produces a non-functional protein and/or introduces a premature termination codon (PMID: 28024295). In summary, the currently available evidence indicates that the variant is pathogenic, but additional data are needed to prove that conclusively. Therefore, this variant has been classified as Likely Pathogenic.

Leiden Open Variation Database
Classification: Pathogenic. Last evaluated: 2016-04-16. Review status: no assertion criteria provided. Collection method: curation. Allele origin: germline. Affected: yes. Not counted in ClinVar's aggregate classification.
Comment: Curator: Arleen D. Auerbach. Submitter to LOVD: Avani P. Solanki.

Literature cited by the submitters: PubMed 28024295 (cited by Labcorp Genetics (formerly Invitae), Labcorp); PubMed 36894310 (cited by Labcorp Genetics (formerly Invitae), Labcorp); PubMed 17576681 (cited by Labcorp Genetics (formerly Invitae), Labcorp); PubMed 9536098 (cited by Labcorp Genetics (formerly Invitae), Labcorp).

NM_004629.2(FANCG):c.1143+5G>C

Gene: FANCG (FA complementation group G; minus strand). Cytogenetic location: 9p13.3.
Variant type: single nucleotide variant.
Coding change: c.1143+5G>C on transcript NM_004629.2 (MANE Select); 5 bases into the intron after coding-DNA position 1143, G replaced by C.
Molecular consequence: intron variant.
Genome position (GRCh38, 1-based): chr9:35,075,957, C>G on the plus strand (G>C on the coding strand, the complement: FANCG is on the minus strand). VCF-style: chr9-35075957-C-G. GRCh37 (hg19) VCF-style: chr9-35075954-C-G.
Identifiers: ClinVar variation 929691 (VCV000929691.6), dbSNP rs778328620, ClinGen allele CA5039835.
Genomic context (GRCh38, chr9:35,075,957, plus strand): 5'-GCTGTATTTCAAAGGGGACACCAACCCGTCTACCCCATTGCAGAGAAGCTTGAAGACACA[C>G]CCACCCTTGGCTCCGAGCTATCCAGCAACAGGGCCAGCAGGTCCAAGTAATGCTCTGCAG-3'